The following is an entry in ClinVar:

ClinVar aggregate classification (germline): Likely benign. Review status: criteria provided, multiple submitters, no conflicts (2 of 4 stars). 3 submissions from 3 submitters: Likely benign (3). Last evaluated 2023-12-01.

Conditions:
Arrhythmogenic right ventricular dysplasia 11. Also called: ARRHYTHMOGENIC RIGHT VENTRICULAR DYSPLASIA, FAMILIAL, 11; Arrhythmogenic Right Ventricular Dysplasia/Cardiomyopathy11; Arrhythmogenic right ventricular dysplasia 11 with mild palmoplantar keratoderma and woolly hair. Identifiers: MedGen C1864850, MONDO:0012506, OMIM 610476.
Familial isolated arrhythmogenic right ventricular dysplasia. Identifiers: Orphanet 217656, MedGen C4274968, MONDO:0016342.
Cardiomyopathy (CMYO). Also called: Cardiomyopathies. Identifiers: Orphanet 167848, MedGen C0878544, MONDO:0004994, HP:0001638. Inheritance: Various modes of inheritance.

Allele frequency attached by ClinVar (database versions not stated): gnomAD exomes 0.00001 and 0.00004; ExAC 0.00007; TOPMed below 0.00001.
gnomAD v4.1: 18 of 1,614,028 alleles (0.0011%); highest among the groups gnomAD compares: Non-Finnish European, 0.0015%; no homozygotes.

Submissions (3):

All of Us Research Program, National Institutes of Health
Classification: Likely benign for Familial isolated arrhythmogenic right ventricular dysplasia. Last evaluated: 2023-12-01. Review status: criteria provided, single submitter. Criteria: ACMG Guidelines, 2015. Collection method: clinical testing. Allele origin: germline. Inheritance: Autosomal dominant inheritance. Observed: 3 variant alleles, 3 heterozygotes.
Comment: This study involves interpretation of variants in research participants for the purpose of population health screening. Participant phenotype was not available at the time of variant classification. Additional details can be found in publication PMID: 35346344, PMCID: PMC8962531

Labcorp Genetics (formerly Invitae), Labcorp
Classification: Likely benign for Arrhythmogenic right ventricular dysplasia 11. Last evaluated: 2023-06-02. Review status: criteria provided, single submitter. Criteria: Invitae Variant Classification Sherloc (09022015). Collection method: clinical testing. Allele origin: germline.

Color Diagnostics, LLC DBA Color Health
Classification: Likely benign for Cardiomyopathy. Last evaluated: 2019-09-30. Review status: criteria provided, single submitter. Criteria: ACMG Guidelines, 2015. Collection method: clinical testing. Allele origin: germline.

NM_024422.6(DSC2):c.1308T>C (p.Gly436=)

Gene: DSC2 (desmocollin 2; minus strand). Cytogenetic location: 18q12.1.
Variant type: single nucleotide variant.
Coding change: c.1308T>C on transcript NM_024422.6 (MANE Select); coding-DNA position 1308, T replaced by C.
Protein change: p.Gly436=; no amino-acid change (glycine 436 retained).
Molecular consequence: synonymous variant.
Genome position (GRCh38, 1-based): chr18:31,080,308, A>G on the plus strand (T>C on the coding strand, the complement: DSC2 is on the minus strand). VCF-style: chr18-31080308-A-G. GRCh37 (hg19) VCF-style: chr18-28660274-A-G.
Other names: c.1308T>C, p.Gly436= (NM_004949.5).
Identifiers: ClinVar variation 922088 (VCV000922088.6), dbSNP rs762786487, ClinGen allele CA030894.
Genomic context (GRCh38, chr18:31,080,308, plus strand): 5'-TGCTGTGCTCATGGCTGATCTTGGACTAGCCTCTCTGGAAAATGGAGCTTCATTAACTAC[A>G]CCAATTTGCAAGATCATCTGTTGCTTTTCTTCATAATTCAAAGGCTACGAAAGCAAATGT-3'
Protein context (NP_077740.1, residues 426-446): EEKQQMILQI[Gly436=]VVNEAPFSRE